The following is an entry in ClinVar:

ClinVar aggregate classification (germline): Pathogenic (1 of 4 stars; one submission).

Submission:

GeneDx
Classification: Pathogenic. Last evaluated: 2013-12-11. Review status: criteria provided, single submitter. Criteria: GeneDx Variant Classification (06012015). Collection method: clinical testing. Allele origin: germline. Affected: yes.
Comment: c.1888delG: p.Val630SerfsX12 (V630Sfsx12) in exon 17 of the KCNQ2 gene (NM_172107.2). Using uppercase to denote exonic nucleotides and lowercase to denote intronic nucleotides, the normal sequence with the deleted base in braces is: gcag{G}TCTT.The c.1888delG mutation in the KCNQ2 gene causes a deletion of the first nucleotide of exon 17 and is predicted by multiple in silico models to damage or even destroy the splice acceptor site in exon 17, leading to abnormal gene splicing. If c.1888delG does not alter splicing, it will result in a frameshift starting with codon Valine 630, changes this amino acid to a Serine residue and creates a premature Stop codon at position 12 of the new reading frame, denoted p.Val630SerfsX12. This mutation is predicted to cause loss of normal protein function through protein truncation as the last 243 amino acids of the protein are replaced by 11 incorrect amino acids. Although this mutation has not been previously reported to our knowledge, its presence is consistent with a diagnosis of a KCNQ2-related disorder. The variant is found in INFANT-EPI panel(s).

NM_172107.4(KCNQ2):c.1888del (p.Val630Serfs)

Gene: KCNQ2 (potassium voltage-gated channel subfamily Q member 2; minus strand). Cytogenetic location: 20q13.33.
Variant type: Deletion.
Coding change: c.1888del on transcript NM_172107.4; coding-DNA position 1888, one base deleted (G; older notation c.1888delG).
Protein change: p.Val630Serfs; shifts the reading frame from valine 630.
Genome position (GRCh38, 1-based): chr20:63,407,375, C deleted on the plus strand (G on the coding strand, the reverse complement: KCNQ2 is on the minus strand); the first of 2 consecutive C bases (chr20:63,407,375-63,407,376); deleting either gives the same sequence. VCF-style (leftmost placement, unchanged base first): chr20-63407374-AC-A. GRCh37 (hg19) VCF-style: chr20-62038727-AC-A.
Other names: c.1888delG (NM_172107.2).
Identifiers: ClinVar variation 205946 (VCV000205946.3), dbSNP rs796052668, ClinGen allele CA315560.